The following is an entry in ClinVar:

NM_006017.3(PROM1):c.1142-1G>A

Gene: PROM1 (prominin 1; minus strand). Cytogenetic location: 4p15.32.
Variant type: single nucleotide variant.
Coding change: c.1142-1G>A on transcript NM_006017.3 (MANE Select); the canonical splice acceptor site of the intron before coding-DNA position 1142, G replaced by A.
Molecular consequence: splice acceptor variant.
Genome position (GRCh38, 1-based): chr4:16,009,109, C>T on the plus strand (G>A on the coding strand, the complement: PROM1 is on the minus strand). VCF-style: chr4-16009109-C-T. GRCh37 (hg19) VCF-style: chr4-16010732-C-T.
Other names: c.1115-1G>A (NM_001145848.2, NM_001145852.2, NM_001145847.2 and 4 more transcripts); c.1142-1G>A (NM_001145850.2, NM_001145849.2).
Identifiers: ClinVar variation 809626 (VCV000809626.56), dbSNP rs752619497, ClinGen allele CA2866849.

ClinVar aggregate classification (germline): Pathogenic/Likely pathogenic. Review status: criteria provided, multiple submitters, no conflicts (2 of 4 stars). 8 submissions from 8 submitters: Pathogenic (6); Likely pathogenic (2). Last evaluated 2026-04-29.

Conditions:
Retinal dystrophy. Also called: Inherited retinal dystrophy. Identifiers: Orphanet 71862, MedGen C0854723, MeSH D058499, MONDO:0019118, HP:0000556.
Cone-rod dystrophy 12 (CORD12). Identifiers: Orphanet 1872, MedGen C2675210, MONDO:0012983, OMIM 612657.
Stargardt disease 4 (STGD4). Identifiers: Orphanet 827, MedGen C1863534, MONDO:0011370, OMIM 603786.
Retinal macular dystrophy type 2 (MCDR2). Also called: Bull's eye macular dystrophy. Identifiers: Orphanet 319640, MedGen C4749334, MONDO:0011957, OMIM 608051.
Retinitis pigmentosa 41 (RP41). Also called: RETINAL DEGENERATION, AUTOSOMAL RECESSIVE, PROMININ-RELATED. Identifiers: Orphanet 791, MedGen C2677516, MONDO:0012796, OMIM 612095.
PROM1-related disorder. Also called: PROM1-related condition; PROM1-related disorders.

Allele frequency attached by ClinVar (database versions not stated): gnomAD 0.00001; TOPMed 0.00001; ExAC 0.00002; gnomAD exomes 0.00003 and 0.00005.
gnomAD v4.1: 69 of 1,611,162 alleles (0.0043%); highest among the groups gnomAD compares: Non-Finnish European, 0.0059%; no homozygotes.

Submissions (8):

Service of Pediatric Gastrohepatology and Metabolic Diseases, University of Medicine of Tirana
Classification: Likely pathogenic for Stargardt disease 4. Last evaluated: 2026-04-29. Review status: criteria provided, single submitter. Criteria: ACMG Guidelines, 2015. Collection method: clinical testing. Allele origin: germline. Inheritance: Autosomal dominant inheritance. Affected: yes. Observed: 1 variant allele.
Comment: PROM1 c.1142-1G>A was classified as Likely pathogenic using ACMG/AMP 2015 criteria (PMID:25741868). This canonical splice-acceptor variant supports PVS1/splice loss-of-function evidence where applicable, with PM2 for rarity/absence in population databases when reviewed and PP4 for phenotype consistency with PROM1-related autosomal dominant Stargardt disease 4 (OMIM:603786).

CeGaT Center for Human Genetics Tuebingen
Classification: Pathogenic. Last evaluated: 2025-10-01. Review status: criteria provided, single submitter. Criteria: CeGaT Center For Human Genetics Tuebingen Variant Classification Criteria Version 2. Collection method: clinical testing. Allele origin: germline. Affected: yes. Observed: 6 variant alleles.
Comment: PROM1: PVS1, PM3:Strong, PM2

Labcorp Genetics (formerly Invitae), Labcorp
Classification: Pathogenic. Last evaluated: 2025-07-24. Review status: criteria provided, single submitter. Criteria: Invitae Variant Classification Sherloc (09022015). Collection method: clinical testing. Allele origin: germline.
Comment: This sequence change affects an acceptor splice site in intron 10 of the PROM1 gene. It is expected to disrupt RNA splicing. Variants that disrupt the donor or acceptor splice site typically lead to a loss of protein function (PMID: 16199547), and loss-of-function variants in PROM1 are known to be pathogenic (PMID: 17605048, 19718270, 24154662, 25474345). This variant is present in population databases (rs752619497, gnomAD 0.007%). Disruption of this splice site has been observed in individual(s) with autosomal recessive PROM1-related conditions (PMID: 20554613, 29555955). It has also been observed to segregate with disease in related individuals. ClinVar contains an entry for this variant (Variation ID: 809626). Algorithms developed to predict the effect of sequence changes on RNA splicing suggest that this variant may disrupt the consensus splice site. For these reasons, this variant has been classified as Pathogenic.

Blueprint Genetics
Classification: Pathogenic for PROM1-related disorders. Last evaluated: 2024-09-04. Review status: criteria provided, single submitter. Criteria: ACMG Guidelines, 2015. Collection method: clinical testing. Allele origin: germline. Affected: yes. Observed: 5 variant alleles.

Genomic Medicine Center of Excellence, King Faisal Specialist Hospital and Research Centre
Classification: Pathogenic for Retinal macular dystrophy type 2. Last evaluated: 2024-03-17. Review status: criteria provided, single submitter. Criteria: ACMG Guidelines, 2015. Collection method: research. Allele origin: germline.

Institute of Human Genetics, Univ. Regensburg, Univ. Regensburg
Classification: Pathogenic for Retinal dystrophy. Last evaluated: 2023-01-01. Review status: criteria provided, single submitter. Criteria: ACMG Guidelines, 2015. Collection method: clinical testing. Allele origin: germline. Affected: yes.

Fulgent Genetics
Classification: Pathogenic for Stargardt disease 4; Retinal macular dystrophy type 2; Retinitis pigmentosa 41; Cone-rod dystrophy 12. Last evaluated: 2022-02-16. Review status: criteria provided, single submitter. Criteria: ACMG Guidelines, 2015. Collection method: clinical testing. Allele origin: unknown.

Institute of Medical Molecular Genetics, University of Zurich
Classification: Likely pathogenic for Cone-rod dystrophy 12. Last evaluated: 2021-01-30. Review status: criteria provided, single submitter. Criteria: ACMG Guidelines, 2015. Collection method: clinical testing. Allele origin: germline. Affected: yes.

Literature cited by the submitters: PubMed 16199547 (cited by Labcorp Genetics (formerly Invitae), Labcorp); PubMed 17605048 (cited by Labcorp Genetics (formerly Invitae), Labcorp); PubMed 19718270 (cited by Labcorp Genetics (formerly Invitae), Labcorp); PubMed 24154662 (cited by Labcorp Genetics (formerly Invitae), Labcorp); PubMed 25474345 (cited by Labcorp Genetics (formerly Invitae), Labcorp); PubMed 20554613 (cited by Labcorp Genetics (formerly Invitae), Labcorp and Institute of Human Genetics, Univ. Regensburg, Univ. Regensburg); PubMed 29555955 (cited by Labcorp Genetics (formerly Invitae), Labcorp and Institute of Human Genetics, Univ. Regensburg, Univ. Regensburg); PubMed 28600779 (cited by Institute of Human Genetics, Univ. Regensburg, Univ. Regensburg); PubMed 31964843 (cited by Institute of Human Genetics, Univ. Regensburg, Univ. Regensburg); PubMed 32531858 (cited by Institute of Human Genetics, Univ. Regensburg, Univ. Regensburg); PubMed 36460718 (cited by Institute of Human Genetics, Univ. Regensburg, Univ. Regensburg); PubMed 35836572 (cited by Institute of Human Genetics, Univ. Regensburg, Univ. Regensburg); PubMed 36819107 (cited by Institute of Human Genetics, Univ. Regensburg, Univ. Regensburg).